The following is an entry in ClinVar:

ClinVar aggregate classification (germline): Pathogenic. Review status: reviewed by expert panel (3 of 4 stars). 6 submissions from 6 submitters: Pathogenic (1). 5 of the submissions do not count toward it. Last evaluated 2016-09-08.

Conditions:
Hereditary cancer-predisposing syndrome. Also called: Tumor predisposition; Hereditary Cancer Syndrome; Neoplastic Syndromes, Hereditary; Hereditary neoplastic syndrome. Identifiers: Orphanet 140162, MedGen C0027672, MeSH D009386, MONDO:0015356.
Hereditary breast ovarian cancer syndrome. Also called: Hereditary breast and ovarian cancer; Breast and ovarian cancer; Hereditary breast and/or ovarian cancer syndrome; BRCA1- and BRCA2-Associated Hereditary Breast and Ovarian Cancer; Hereditary breast and ovarian cancer syndrome; Hereditary breast and ovarian cancer syndrome (HBOC). Identifiers: Orphanet 145, MedGen C0677776, MeSH D061325, MONDO:0003582. Disease mechanism: loss of function.
Breast-ovarian cancer, familial, susceptibility to, 2 (BROVCA2). Also called: BRCA2 Hereditary Breast and Ovarian Cancer. Identifiers: Orphanet 145, MedGen C2675520, MONDO:0012933, OMIM 612555. Disease mechanism: loss of function.

Submissions (6):

Evidence-based Network for the Interpretation of Germline Mutant Alleles (ENIGMA)
Classification: Pathogenic for Breast-ovarian cancer, familial, susceptibility to, 2. Last evaluated: 2016-09-08. Review status: reviewed by expert panel. Criteria: ENIGMA BRCA1/2 Classification Criteria (2015). Collection method: curation. Allele origin: germline.
Comment: Variant allele predicted to encode a truncated non-functional protein.

Labcorp Genetics (formerly Invitae), Labcorp
Classification: Pathogenic for Hereditary breast ovarian cancer syndrome. Last evaluated: 2024-07-08. Review status: criteria provided, single submitter. Criteria: Invitae Variant Classification Sherloc (09022015). Collection method: clinical testing. Allele origin: germline. Not counted in ClinVar's aggregate classification.
Comment: This sequence change creates a premature translational stop signal (p.Gln850*) in the BRCA2 gene. It is expected to result in an absent or disrupted protein product. Loss-of-function variants in BRCA2 are known to be pathogenic (PMID: 20104584). This variant is not present in population databases (gnomAD no frequency). This premature translational stop signal has been observed in individual(s) with breast cancer (PMID: 30350268, 32341426). ClinVar contains an entry for this variant (Variation ID: 254503). For these reasons, this variant has been classified as Pathogenic.

KCCC/NGS Laboratory, Kuwait Cancer Control Center
Classification: Pathogenic for Breast-ovarian cancer, familial, susceptibility to, 2. Last evaluated: 2024-04-03. Review status: criteria provided, single submitter. Criteria: ACMG Guidelines, 2015. Collection method: clinical testing. Allele origin: germline. Inheritance: Autosomal dominant inheritance. Affected: yes. Observed: 1 heterozygote. Not counted in ClinVar's aggregate classification.
Comment: This sequence change creates a premature translational stop signal (p.Gln850*) in the BRCA2 gene. It is expected to result in an absent or disrupted protein product. Loss-of-function variants in BRCA2 are known to be pathogenic (PMID: 20104584).This premature translational stop signal has been observed in individual(s) with breast cancer (PMID: 30350268, 32341426). This variant is not present in population databases (gnomAD no frequency).ClinVar contains an entry for this variant (Variation ID: 254503).For these reasons, this variant has been classified as Pathogenic.

Ambry Genetics
Classification: Pathogenic for Hereditary cancer-predisposing syndrome. Last evaluated: 2020-06-25. Review status: criteria provided, single submitter. Criteria: Ambry Variant Classification Scheme 2023. Collection method: clinical testing. Allele origin: germline. Not counted in ClinVar's aggregate classification.
Comment: The p.Q850* pathogenic mutation (also known as c.2548C>T), located in coding exon 10 of the BRCA2 gene, results from a C to T substitution at nucleotide position 2548. This changes the amino acid from a glutamine to a stop codon within coding exon 10. In addition to the clinical data presented in the literature, this alteration is expected to result in loss of function by premature protein truncation or nonsense-mediated mRNA decay. As such, this alteration is interpreted as a disease-causing mutation.

Consortium of Investigators of Modifiers of BRCA1/2 (CIMBA), c/o University of Cambridge
Classification: Pathogenic for Breast-ovarian cancer, familial, susceptibility to, 2. Last evaluated: 2015-10-02. Review status: criteria provided, single submitter. Criteria: CIMBA Mutation Classification guidelines May 2016. Collection method: clinical testing. Allele origin: germline. Not counted in ClinVar's aggregate classification.

Neuberg Centre For Genomic Medicine, NCGM
Classification: Pathogenic for Breast-ovarian cancer, familial, susceptibility to, 2. Review status: criteria provided, single submitter. Criteria: ACMG Guidelines, 2015. Collection method: clinical testing. Allele origin: germline. Inheritance: Autosomal dominant inheritance. Affected: yes. Not counted in ClinVar's aggregate classification.

Literature cited by the submitters: PubMed 20104584 (cited by Labcorp Genetics (formerly Invitae), Labcorp); PubMed 30350268 (cited by Labcorp Genetics (formerly Invitae), Labcorp and Ambry Genetics); PubMed 32341426 (cited by Labcorp Genetics (formerly Invitae), Labcorp); PubMed 29446198 (cited by Ambry Genetics).

NM_000059.4(BRCA2):c.2548C>T (p.Gln850Ter)

Gene: BRCA2 (BRCA2 DNA repair associated; plus strand). Cytogenetic location: 13q13.1.
Variant type: single nucleotide variant.
Coding change: c.2548C>T on transcript NM_000059.4 (MANE Select); coding-DNA position 2548, C replaced by T.
Protein change: p.Gln850Ter; replaces glutamine 850 with a stop codon.
Molecular consequence: nonsense.
Genome position (GRCh38, 1-based): chr13:32,336,903, C>T. VCF-style: chr13-32336903-C-T. GRCh37 (hg19) VCF-style: chr13-32911040-C-T.
Other names: short protein forms Q850*.
Identifiers: ClinVar variation 254503 (VCV000254503.13), dbSNP rs886038075, ClinGen allele CA10586502.